The following is an entry in ClinVar:

ClinVar aggregate classification (germline): Uncertain significance (1 of 4 stars; one submission).

Allele frequency attached by ClinVar (database versions not stated): gnomAD exomes below 0.00001 and 0.00001; ExAC 0.00001; gnomAD 0.00001; TOPMed 0.00002.
gnomAD v4.1: 7 of 1,614,000 alleles (0.00043%); highest among the groups gnomAD compares: African/African-American, 0.0013%; no homozygotes.

Submission:

Labcorp Genetics (formerly Invitae), Labcorp
Classification: Uncertain significance. Last evaluated: 2022-08-20. Review status: criteria provided, single submitter. Criteria: Invitae Variant Classification Sherloc (09022015). Collection method: clinical testing. Allele origin: germline.
Comment: In summary, the available evidence is currently insufficient to determine the role of this variant in disease. Therefore, it has been classified as a Variant of Uncertain Significance. Algorithms developed to predict the effect of missense changes on protein structure and function (SIFT, PolyPhen-2, Align-GVGD) all suggest that this variant is likely to be tolerated. ClinVar contains an entry for this variant (Variation ID: 1064287). This variant has not been reported in the literature in individuals affected with SLC25A12-related conditions. This variant is present in population databases (rs780554394, gnomAD 0.003%). This sequence change replaces threonine, which is neutral and polar, with alanine, which is neutral and non-polar, at codon 8 of the SLC25A12 protein (p.Thr8Ala).

NM_003705.5(SLC25A12):c.22A>G (p.Thr8Ala)

Gene: SLC25A12 (solute carrier family 25 member 12; minus strand). Cytogenetic location: 2q31.1.
Variant type: single nucleotide variant.
Coding change: c.22A>G on transcript NM_003705.5 (MANE Select); coding-DNA position 22, A replaced by G.
Protein change: p.Thr8Ala; replaces threonine 8 with alanine.
Molecular consequence: missense variant. On other transcripts: non-coding transcript variant (1).
Genome position (GRCh38, 1-based): chr2:171,893,249, T>C on the plus strand (A>G on the coding strand, the complement: SLC25A12 is on the minus strand). VCF-style: chr2-171893249-T-C. GRCh37 (hg19) VCF-style: chr2-172749759-T-C.
Other names: short protein forms T8A.
Identifiers: ClinVar variation 1064287 (VCV001064287.9), dbSNP rs780554394, ClinGen allele CA1966510.
Genomic context (GRCh38, chr2:171,893,249, plus strand): 5'-ATGCAAGCCAATTTACCTGTAGAAATATGTTTCTTAACTCATGAGGATCCCCTCGCTTAG[T>C]TGTCTGCACCTGTAAGCAAAAAAGAAAAAAAAGCCAGTTAATGCTTCACTAGAGACCACA-3'
Protein context (NP_003696.2, residues 1-18): MAVKVQT[Thr8Ala]KRGDPHELRN